The following is an entry in ClinVar:

NM_002637.4(PHKA1):c.80A>T (p.Asn27Ile)

Gene: PHKA1 (phosphorylase kinase regulatory subunit alpha 1; minus strand). Cytogenetic location: Xq13.1.
Variant type: single nucleotide variant.
Coding change: c.80A>T on transcript NM_002637.4 (MANE Select); coding-DNA position 80, A replaced by T.
Protein change: p.Asn27Ile; replaces asparagine 27 with isoleucine.
Molecular consequence: missense variant.
Genome position (GRCh38, 1-based): chrX:72,712,936, T>A on the plus strand (A>T on the coding strand, the complement: PHKA1 is on the minus strand). VCF-style: chrX-72712936-T-A. GRCh37 (hg19) VCF-style: chrX-71932778-T-A.
Other names: c.80A>T, p.Asn27Ile (NM_001122670.2, NM_001172436.2, NM_001431068.1 and 2 more transcripts); short protein forms N27I.
Identifiers: ClinVar variation 5007595 (VCV005007595.2).
Genomic context (GRCh38, chrX:72,712,936, plus strand): 5'-TTATCTCGGACCCAAGCATCTTTCTGATCATAGCTGGCTGGAAGCAAGCCAGTCACTGGA[T>A]TCTGCAAGGTCAAGAAAAAGAGGGCAGGAAGGTAACCATAGGTGTTAACATCAGGAAACA-3'
Protein context (NP_002628.2, residues 17-37): LVQQTILCHQ[Asn27Ile]PVTGLLPASY

ClinVar aggregate classification (germline): Uncertain significance (1 of 4 stars; one submission).

Conditions:
Glycogen storage disease IXd (GSD9D). Also called: GSD IXd; Muscle Phosphorylase Kinase Deficiency. Identifiers: Orphanet 715, MedGen C1845151, MONDO:0010362, OMIM 300559.

Submission:

Juno Genomics, Hangzhou Juno Genomics, Inc
Classification: Uncertain significance for Glycogen storage disease IXd. Review status: criteria provided, single submitter. Criteria: ACMG Guidelines, 2015. Collection method: clinical testing. Allele origin: germline.
Comment: Absent from controls (or at extremely low frequency if recessive) in Genome Aggregation Database.;Multiple lines of computational evidence support a deleterious effect on the gene or gene product.